The following is an entry in ClinVar:

ClinVar aggregate classification (germline): Uncertain significance (1 of 4 stars; one submission).

Conditions:
Early-infantile DEE. Also called: Early infantile epileptic encephalopathy with suppression bursts; Early infantile epileptic encephalopathy; Ohtahara syndrome. Identifiers: Orphanet 1934, MedGen C0393706, MONDO:0800491.

gnomAD v4.1: 39 of 1,613,600 alleles (0.0024%); highest among the groups gnomAD compares: East Asian, 0.087%; no homozygotes.

Submission:

Labcorp Genetics (formerly Invitae), Labcorp
Classification: Uncertain significance for Early-infantile DEE. Last evaluated: 2024-06-03. Review status: criteria provided, single submitter. Criteria: Invitae Variant Classification Sherloc (09022015). Collection method: clinical testing. Allele origin: germline.
Comment: This sequence change replaces alanine, which is neutral and non-polar, with valine, which is neutral and non-polar, at codon 404 of the ARHGEF15 protein (p.Ala404Val). This variant is present in population databases (rs200509665, gnomAD 0.06%). This variant has not been reported in the literature in individuals affected with ARHGEF15-related conditions. An algorithm developed to predict the effect of missense changes on protein structure and function (PolyPhen-2) suggests that this variant is likely to be tolerated. In summary, the available evidence is currently insufficient to determine the role of this variant in disease. Therefore, it has been classified as a Variant of Uncertain Significance.

NM_173728.4(ARHGEF15):c.1211C>T (p.Ala404Val)

Gene: ARHGEF15 (Rho guanine nucleotide exchange factor 15; plus strand). Cytogenetic location: 17p13.1.
Variant type: single nucleotide variant.
Coding change: c.1211C>T on transcript NM_173728.4 (MANE Select); coding-DNA position 1211, C replaced by T.
Protein change: p.Ala404Val; replaces alanine 404 with valine.
Molecular consequence: missense variant.
Genome position (GRCh38, 1-based): chr17:8,315,228, C>T. VCF-style: chr17-8315228-C-T. GRCh37 (hg19) VCF-style: chr17-8218546-C-T.
Other names: c.1211C>T, p.Ala404Val (NM_025014.2); short protein forms A404V.
Identifiers: ClinVar variation 3695818 (VCV003695818.2).
Genomic context (GRCh38, chr17:8,315,228, plus strand): 5'-CCTTCCCACGACCCCCTGGACCTCGCAACACCCTGTGGCAGGAGCTTCCGGCTGTGCAAG[C>T]CAGCGGTCTTCTGGATACCCTCAGCCCCCAGGAGAGGCGCATGCAGGAGGTGGGAGCTGG-3'
Protein context (NP_776089.2, residues 394-414): TLWQELPAVQ[Ala404Val]SGLLDTLSPQ